The following is an entry in ClinVar:

NM_015338.6(ASXL1):c.4193A>C (p.His1398Pro)

Gene: ASXL1 (ASXL transcriptional regulator 1; plus strand). Cytogenetic location: 20q11.21.
Variant type: single nucleotide variant.
Coding change: c.4193A>C on transcript NM_015338.6 (MANE Select); coding-DNA position 4193, A replaced by C.
Protein change: p.His1398Pro; replaces histidine 1398 with proline.
Molecular consequence: missense variant.
Genome position (GRCh38, 1-based): chr20:32,436,905, A>C. VCF-style: chr20-32436905-A-C. GRCh37 (hg19) VCF-style: chr20-31024708-A-C.
Other names: c.4010A>C, p.His1337Pro (NM_001363734.1); short protein forms H1337P, H1398P.
Identifiers: ClinVar variation 3791861 (VCV003791861.1).

ClinVar aggregate classification (germline): Uncertain significance (1 of 4 stars; one submission).

Conditions:
Inborn genetic diseases. Identifiers: MedGen C0950123, MeSH D030342.

gnomAD v4.1: 2 of 1,614,226 alleles (0.00012%); highest among the groups gnomAD compares: Non-Finnish European, 0.00017%; no homozygotes.

Submission:

Ambry Genetics
Classification: Uncertain significance for Inborn genetic diseases. Last evaluated: 2025-01-03. Review status: criteria provided, single submitter. Criteria: Ambry Variant Classification Scheme 2023. Collection method: clinical testing. Allele origin: germline.
Comment: The p.H1398P variant (also known as c.4193A>C), located in coding exon 13 of the ASXL1 gene, results from an A to C substitution at nucleotide position 4193. The histidine at codon 1398 is replaced by proline, an amino acid with similar properties. This amino acid position is conserved. In addition, this alteration is predicted to be tolerated by in silico analysis. Based on the available evidence, the clinical significance of this variant remains unclear.